The following is an entry in ClinVar:

NM_002734.5(PRKAR1A):c.709-5T>G

Gene: PRKAR1A (protein kinase cAMP-dependent type I regulatory subunit alpha; plus strand). Cytogenetic location: 17q24.2.
Variant type: single nucleotide variant.
Coding change: c.709-5T>G on transcript NM_002734.5 (MANE Select); 5 bases into the intron before coding-DNA position 709, T replaced by G.
Molecular consequence: intron variant.
Genome position (GRCh38, 1-based): chr17:68,527,835, T>G. VCF-style: chr17-68527835-T-G. GRCh37 (hg19) VCF-style: chr17-66523976-T-G.
Other names: c.709-5T>G (NM_001278433.2, NM_001369389.1, NM_212471.3 and 4 more transcripts).
Identifiers: ClinVar variation 4887939 (VCV004887939.1).

ClinVar aggregate classification (germline): Uncertain significance (1 of 4 stars; one submission).

Submission:

GeneDx
Classification: Uncertain significance. Last evaluated: 2026-02-02. Review status: criteria provided, single submitter. Criteria: GeneDx Variant Classification Process June 2021. Collection method: clinical testing. Allele origin: germline.
Comment: Not observed at significant frequency in large population cohorts (gnomAD); In silico analysis suggests that this variant does not alter splicing; This variant is associated with the following publications: (PMID: 28878664)